The following is an entry in ClinVar:

NM_000784.4(CYP27A1):c.371A>T (p.Tyr124Phe)

Gene: CYP27A1 (cytochrome P450 family 27 subfamily A member 1; plus strand). Cytogenetic location: 2q35.
Variant type: single nucleotide variant.
Coding change: c.371A>T on transcript NM_000784.4 (MANE Select); coding-DNA position 371, A replaced by T.
Protein change: p.Tyr124Phe; replaces tyrosine 124 with phenylalanine.
Molecular consequence: missense variant.
Genome position (GRCh38, 1-based): chr2:218,809,692, A>T. VCF-style: chr2-218809692-A-T. GRCh37 (hg19) VCF-style: chr2-219674415-A-T.
Other names: short protein forms Y124F.
Identifiers: ClinVar variation 1943715 (VCV001943715.5), dbSNP rs747748483, ClinGen allele CA2112576.

ClinVar aggregate classification (germline): Uncertain significance (1 of 4 stars; one submission).

Conditions:
Cholestanol storage disease (CTX). Also called: Cerebrotendinous Xanthomatosis; CTX: Cerebrotendinous xanthomatosis; CEREBRAL CHOLESTERINOSIS. Identifiers: Orphanet 909, MedGen C0238052, MONDO:0008948, OMIM 213700.

Allele frequency attached by ClinVar (database versions not stated): ExAC 0.00001; gnomAD exomes 0.00001; TOPMed 0.00001.
gnomAD v4.1: 4 of 1,614,136 alleles (0.00025%); highest among the groups gnomAD compares: Non-Finnish European, 0.00034%; no homozygotes.

Submission:

Labcorp Genetics (formerly Invitae), Labcorp
Classification: Uncertain significance for Cholestanol storage disease. Last evaluated: 2023-11-27. Review status: criteria provided, single submitter. Criteria: Invitae Variant Classification Sherloc (09022015). Collection method: clinical testing. Allele origin: germline.
Comment: This sequence change replaces tyrosine, which is neutral and polar, with phenylalanine, which is neutral and non-polar, at codon 124 of the CYP27A1 protein (p.Tyr124Phe). This variant is present in population databases (rs747748483, gnomAD 0.002%). This variant has not been reported in the literature in individuals affected with CYP27A1-related conditions. ClinVar contains an entry for this variant (Variation ID: 1943715). Advanced modeling of protein sequence and biophysical properties (such as structural, functional, and spatial information, amino acid conservation, physicochemical variation, residue mobility, and thermodynamic stability) performed at Invitae indicates that this missense variant is not expected to disrupt CYP27A1 protein function with a negative predictive value of 95%. In summary, the available evidence is currently insufficient to determine the role of this variant in disease. Therefore, it has been classified as a Variant of Uncertain Significance.